The following is an entry in ClinVar:

NM_033343.4(LHX4):c.*130C>T

Genes: ACBD6 (acyl-CoA binding domain containing 6; minus strand), LHX4 (LIM homeobox 4; plus strand). Cytogenetic location: 1q25.2.
Variant type: single nucleotide variant.
Coding change: c.*130C>T on transcript NM_033343.4 (MANE Select); 130 bases downstream of the stop codon, C replaced by T.
Molecular consequence: 3 prime UTR variant.
Genome position (GRCh38, 1-based): chr1:180,274,709, C>T. VCF-style: chr1-180274709-C-T. GRCh37 (hg19) VCF-style: chr1-180243844-C-T.
Identifiers: ClinVar variation 293878 (VCV000293878.5), dbSNP rs59623342, ClinGen allele CA10608856.

ClinVar aggregate classification (germline): Benign (1 of 4 stars; one submission).

Conditions:
Short stature-pituitary and cerebellar defects-small sella turcica syndrome (CPHD4). Also called: Pituitary hormone deficiency, combined with or without cerebellar defects; Short stature, pituitary and cerebellar defects and small sella turcica. Identifiers: Orphanet 85442, MedGen C2678408, MONDO:0009880, OMIM 262700.

Allele frequency attached by ClinVar (database versions not stated): gnomAD 0.00644 and 0.00680; 1000 Genomes Project 0.00679; 1000 Genomes Project 30x 0.00687; TOPMed 0.00749.
gnomAD v4.1: 1,661 of 1,121,848 alleles (0.15%); highest among the groups gnomAD compares: African/African-American, 2.2%; 17 homozygotes.

Submission:

Illumina Laboratory Services, Illumina
Classification: Benign for Short stature-pituitary and cerebellar defects-small sella turcica syndrome. Last evaluated: 2018-01-13. Review status: criteria provided, single submitter. Criteria: ICSL Variant Classification Criteria 13 December 2019. Collection method: clinical testing. Allele origin: germline.
Comment: This variant was observed in the ICSL laboratory as part of a predisposition screen in an ostensibly healthy population. It had not been previously curated by ICSL or reported in the Human Gene Mutation Database (HGMD: prior to June 1st, 2018), and was therefore a candidate for classification through an automated scoring system. Utilizing variant allele frequency, disease prevalence and penetrance estimates, and inheritance mode, an automated score was calculated to assess if this variant is too frequent to cause the disease. Based on the score and internal cut-off values, a variant classified as benign is not then subjected to further curation. The score for this variant resulted in a classification of benign for this disease.